The following is an entry in ClinVar:

ClinVar aggregate classification (germline): Uncertain significance. Review status: criteria provided, multiple submitters, no conflicts (2 of 4 stars). 2 submissions from 2 submitters: Uncertain significance (2). Last evaluated 2022-01-18.

Conditions:
Familial cancer of breast. Also called: BREAST CANCER, FAMILIAL; Hereditary breast cancer; hereditary breast carcinoma. Identifiers: Orphanet 227535, MedGen C0346153, MONDO:0016419, OMIM 114480. Disease mechanism: loss of function.
Hereditary cancer-predisposing syndrome. Also called: Tumor predisposition; Hereditary Cancer Syndrome; Hereditary neoplastic syndrome; Neoplastic Syndromes, Hereditary. Identifiers: Orphanet 140162, MedGen C0027672, MeSH D009386, MONDO:0015356.

Allele frequency attached by ClinVar (database versions not stated): gnomAD exomes below 0.00001.
gnomAD v4.1: 2 of 1,614,230 alleles (0.00012%); highest among the groups gnomAD compares: Non-Finnish European, 0.00017%; no homozygotes.

Submissions (2):

Labcorp Genetics (formerly Invitae), Labcorp
Classification: Uncertain significance for Familial cancer of breast. Last evaluated: 2022-01-18. Review status: criteria provided, single submitter. Criteria: Invitae Variant Classification Sherloc (09022015). Collection method: clinical testing. Allele origin: germline.
Comment: In summary, the available evidence is currently insufficient to determine the role of this variant in disease. Therefore, it has been classified as a Variant of Uncertain Significance. This sequence change replaces proline, which is neutral and non-polar, with serine, which is neutral and polar, at codon 812 of the PALB2 protein (p.Pro812Ser). This variant is not present in population databases (gnomAD no frequency). This missense change has been observed in individual(s) with melanoma (PMID: 31382929). ClinVar contains an entry for this variant (Variation ID: 410131). Algorithms developed to predict the effect of missense changes on protein structure and function output the following: SIFT: "Tolerated"; PolyPhen-2: "Possibly Damaging"; Align-GVGD: "Class C0". The serine amino acid residue is found in multiple mammalian species, which suggests that this missense change does not adversely affect protein function.

Ambry Genetics
Classification: Uncertain significance for Hereditary cancer-predisposing syndrome. Last evaluated: 2020-09-30. Review status: criteria provided, single submitter. Criteria: Ambry Variant Classification Scheme 2023. Collection method: clinical testing. Allele origin: germline.
Comment: The p.P812S variant (also known as c.2434C>T), located in coding exon 5 of the PALB2 gene, results from a C to T substitution at nucleotide position 2434. The proline at codon 812 is replaced by serine, an amino acid with similar properties. This alteration was identified in a cohort of Italian patients with multiple primary melanomas (Casula M et al. BMC Cancer, 2019 Aug;19:772). This amino acid position is not well conserved in available vertebrate species. In addition, this alteration is predicted to be tolerated by in silico analysis. Since supporting evidence is limited at this time, the clinical significance of this alteration remains unclear.

Literature cited by the submitters: PubMed 31382929 (cited by Labcorp Genetics (formerly Invitae), Labcorp and Ambry Genetics).

NM_024675.4(PALB2):c.2434C>T (p.Pro812Ser)

Gene: PALB2 (partner and localizer of BRCA2; minus strand). Cytogenetic location: 16p12.2.
Variant type: single nucleotide variant.
Coding change: c.2434C>T on transcript NM_024675.4 (MANE Select); coding-DNA position 2434, C replaced by T.
Protein change: p.Pro812Ser; replaces proline 812 with serine.
Molecular consequence: missense variant.
Genome position (GRCh38, 1-based): chr16:23,629,720, G>A on the plus strand (C>T on the coding strand, the complement: PALB2 is on the minus strand). VCF-style: chr16-23629720-G-A. GRCh37 (hg19) VCF-style: chr16-23641041-G-A.
Other names: short protein forms P812S.
Identifiers: ClinVar variation 410131 (VCV000410131.14), dbSNP rs1060502751, ClinGen allele CA16614830.